The following is an entry in ClinVar:

ClinVar aggregate classification (germline): Uncertain significance. Review status: criteria provided, multiple submitters, no conflicts (2 of 4 stars). 4 submissions from 4 submitters: Uncertain significance (4). Last evaluated 2025-01-01.

Conditions:
Aortic aneurysm, familial thoracic 4 (AAT4). Also called: AORTIC ANEURYSM/AORTIC DISSECTION AND PATENT DUCTUS ARTERIOSUS. Identifiers: MedGen C1851504, MONDO:0007568, OMIM 132900.
Familial thoracic aortic aneurysm and aortic dissection (TAAD). Also called: Thoracic aortic aneurysms and dissections. Identifiers: Orphanet 91387, MedGen C4707243, MONDO:0019625.

Allele frequency attached by ClinVar (database versions not stated): gnomAD exomes 0.00001.
gnomAD v4.1: 5 of 1,614,084 alleles (0.00031%); highest among the groups gnomAD compares: African/African-American, 0.0013%; no homozygotes.

Submissions (4):

Labcorp Genetics (formerly Invitae), Labcorp
Classification: Uncertain significance for Aortic aneurysm, familial thoracic 4. Last evaluated: 2025-01-01. Review status: criteria provided, single submitter. Criteria: Invitae Variant Classification Sherloc (09022015). Collection method: clinical testing. Allele origin: germline.
Comment: This sequence change replaces glutamic acid, which is acidic and polar, with lysine, which is basic and polar, at codon 736 of the MYH11 protein (p.Glu736Lys). This variant is present in population databases (no rsID available, gnomAD 0.007%). This variant has not been reported in the literature in individuals affected with MYH11-related conditions. ClinVar contains an entry for this variant (Variation ID: 925967). Invitae Evidence Modeling of protein sequence and biophysical properties (such as structural, functional, and spatial information, amino acid conservation, physicochemical variation, residue mobility, and thermodynamic stability) indicates that this missense variant is not expected to disrupt MYH11 protein function with a negative predictive value of 95%. In summary, the available evidence is currently insufficient to determine the role of this variant in disease. Therefore, it has been classified as a Variant of Uncertain Significance.

All of Us Research Program, National Institutes of Health
Classification: Uncertain significance for Familial thoracic aortic aneurysm and aortic dissection. Last evaluated: 2024-02-22. Review status: criteria provided, single submitter. Criteria: ACMG Guidelines, 2015. Collection method: clinical testing. Allele origin: germline. Inheritance: Autosomal dominant inheritance. Observed: 1 variant allele, 1 heterozygote.
Comment: Variant of Uncertain Significance due to insufficient evidence: This missense variant replaces glutamic acid with lysine at codon 736 of the MYH11 protein. Computational prediction tools and conservation analyses suggest that this variant may have deleterious impact on the protein function. Computational splicing tools suggest that this variant may not impact RNA splicing. To our knowledge, functional assays have not been performed for this variant nor has this variant been reported in individuals affected with cardiovascular disorders in the literature. This variant has been identified in 2/251486 chromosomes in the general population by the Genome Aggregation Database (gnomAD). Available evidence is insufficient to determine the role of this variant in disease conclusively.

This study involves interpretation of variants in research participants for the purpose of population health screening. Participant phenotype was not available at the time of variant classification. Additional details can be found in publication PMID: 35346344, PMCID: PMC8962531

Color Diagnostics, LLC DBA Color Health
Classification: Uncertain significance for Familial thoracic aortic aneurysm and aortic dissection. Last evaluated: 2023-12-05. Review status: criteria provided, single submitter. Criteria: ACMG Guidelines, 2015. Collection method: clinical testing. Allele origin: germline.
Comment: Variant of Uncertain Significance due to insufficient evidence: This missense variant replaces glutamic acid with lysine at codon 736 of the MYH11 protein. Computational prediction tools and conservation analyses suggest that this variant may have deleterious impact on the protein function. Computational splicing tools suggest that this variant may not impact RNA splicing. To our knowledge, functional assays have not been performed for this variant nor has this variant been reported in individuals affected with cardiovascular disorders in the literature. This variant has been identified in 2/251486 chromosomes in the general population by the Genome Aggregation Database (gnomAD). Available evidence is insufficient to determine the role of this variant in disease conclusively.

Ambry Genetics
Classification: Uncertain significance for Familial thoracic aortic aneurysm and aortic dissection. Last evaluated: 2022-06-27. Review status: criteria provided, single submitter. Criteria: Ambry Variant Classification Scheme 2023. Collection method: clinical testing. Allele origin: germline.
Comment: The p.E729K variant (also known as c.2185G>A), located in coding exon 17 of the MYH11 gene, results from a G to A substitution at nucleotide position 2185. The glutamic acid at codon 729 is replaced by lysine, an amino acid with similar properties. This amino acid position is conserved. In addition, this alteration is predicted to be deleterious by in silico analysis. Since supporting evidence is limited at this time, the clinical significance of this alteration remains unclear.

NM_002474.3(MYH11):c.2185G>A (p.Glu729Lys)

Gene: MYH11 (myosin heavy chain 11; minus strand). Cytogenetic location: 16p13.11.
Variant type: single nucleotide variant.
Coding change: c.2185G>A on transcript NM_002474.3 (MANE Select); coding-DNA position 2185, G replaced by A.
Protein change: p.Glu729Lys; replaces glutamic acid 729 with lysine.
Molecular consequence: missense variant.
Genome position (GRCh38, 1-based): chr16:15,747,939, C>T on the plus strand (G>A on the coding strand, the complement: MYH11 is on the minus strand). VCF-style: chr16-15747939-C-T. GRCh37 (hg19) VCF-style: chr16-15841796-C-T.
Other names: c.2206G>A, p.Glu736Lys (NM_001040113.2, NM_001040114.2); c.2185G>A, p.Glu729Lys (NM_022844.3); short protein forms E729K, E736K.
Identifiers: ClinVar variation 925967 (VCV000925967.17), dbSNP rs1460761362, ClinGen allele CA394867865.